The following is an entry in ClinVar:

NM_006231.4(POLE):c.1106+2T>G

Gene: POLE (DNA polymerase epsilon, catalytic subunit; minus strand). Cytogenetic location: 12q24.33.
Variant type: single nucleotide variant.
Coding change: c.1106+2T>G on transcript NM_006231.4 (MANE Select); the canonical splice donor site of the intron after coding-DNA position 1106, T replaced by G.
Molecular consequence: splice donor variant.
Genome position (GRCh38, 1-based): chr12:132,675,733, A>C on the plus strand (T>G on the coding strand, the complement: POLE is on the minus strand). VCF-style: chr12-132675733-A-C. GRCh37 (hg19) VCF-style: chr12-133252319-A-C.
Identifiers: ClinVar variation 643809 (VCV000643809.9), dbSNP rs1593077420, ClinGen allele CA387361303.
Genomic context (GRCh38, chr12:132,675,733, plus strand): 5'-ACCACGCAACGCCCTCCCTCTCAAATGCTGCCCAGTTACTCATAGAGAAGACACAGACTC[A>C]CCAGTCAAAAAAGTCCCCGTTGTAGGTGACCATGATGGTGGGTTTGGTCTCCTGGACGTG-3'

ClinVar aggregate classification (germline): Likely pathogenic (1 of 4 stars; one submission).

Submission:

Labcorp Genetics (formerly Invitae), Labcorp
Classification: Likely pathogenic. Last evaluated: 2023-10-26. Review status: criteria provided, single submitter. Criteria: Invitae Variant Classification Sherloc (09022015). Collection method: clinical testing. Allele origin: germline.
Comment: This sequence change affects a donor splice site in intron 11 of the POLE gene. RNA analysis indicates that disruption of this splice site induces altered splicing and may result in an absent or disrupted protein product. This variant is not present in population databases (gnomAD no frequency). This variant has not been reported in the literature in individuals affected with POLE-related conditions. ClinVar contains an entry for this variant (Variation ID: 643809). Studies have shown that disruption of this splice site results in skipping of exon 11 and introduces a premature termination codon (Invitae). The resulting mRNA is expected to undergo nonsense-mediated decay. In summary, the currently available evidence indicates that the variant is pathogenic, but additional data are needed to prove that conclusively. Therefore, this variant has been classified as Likely Pathogenic.